The following is an entry in ClinVar:

NM_000260.4(MYO7A):c.1208A>G (p.Tyr403Cys)

Gene: MYO7A (myosin VIIA; plus strand). Cytogenetic location: 11q13.5.
Variant type: single nucleotide variant.
Coding change: c.1208A>G on transcript NM_000260.4 (MANE Select); coding-DNA position 1208, A replaced by G.
Protein change: p.Tyr403Cys; replaces tyrosine 403 with cysteine.
Molecular consequence: missense variant.
Genome position (GRCh38, 1-based): chr11:77,160,980, A>G. VCF-style: chr11-77160980-A-G. GRCh37 (hg19) VCF-style: chr11-76872026-A-G.
Other names: c.1208A>G, p.Tyr403Cys (NM_001127180.2); c.1175A>G, p.Tyr392Cys (NM_001369365.1); short protein forms Y403C, Y392C.
Identifiers: ClinVar variation 178667 (VCV000178667.21), dbSNP rs797044511, ClinGen allele CA278736.

ClinVar aggregate classification (germline): Likely pathogenic. Review status: reviewed by expert panel (3 of 4 stars). 6 submissions from 6 submitters: Likely pathogenic (1). 5 of the submissions do not count toward it. Last evaluated 2022-12-21.

Conditions:
Autosomal recessive nonsyndromic hearing loss 2. Also called: DEAFNESS, AUTOSOMAL RECESSIVE 2; NEUROSENSORY NONSYNDROMIC RECESSIVE DEAFNESS 2. Identifiers: Orphanet 90636, MedGen C1838701, MONDO:0010807, OMIM 600060.
Usher syndrome type 1 (USH1). Also called: RETINITIS PIGMENTOSA AND CONGENITAL DEAFNESS. Identifiers: Orphanet 231169, Orphanet 886, MedGen C1568247, MONDO:0010168, OMIM 276900.
Rare genetic deafness. Identifiers: Orphanet 96210, MedGen C5680250.
Usher syndrome. Also called: Usher Syndromes; Usher's syndrome. Identifiers: Orphanet 886, MedGen CN469326, MeSH D052245, MONDO:0019501. Disease mechanism: loss of function.

Allele frequency attached by ClinVar (database versions not stated): TOPMed below 0.00001; gnomAD 0.00001.
gnomAD v4.1: 1 of 1,602,450 alleles (0.000062%); highest among the groups gnomAD compares: Non-Finnish European, 0.000085%; no homozygotes.

Submissions (6):

ClinGen Hearing Loss Variant Curation Expert Panel
Classification: Likely pathogenic for Usher syndrome. Last evaluated: 2022-12-21. Review status: reviewed by expert panel. Criteria: Clingen Hl Acmg Specifications Cdh23 Coch Gjb2 Kcnq4 Myo6 Myo7a Slc26a4 Tecta Ush2a V2. Collection method: curation. Allele origin: germline. Inheritance: Autosomal recessive inheritance.
Comment: The NM_000260.4:c.1208A>G variant in the MYO7A gene is a missense variant predicted to cause substitution of tyrosine to cysteine at amino acid 403 (p.Tyr403Cys). The highest population minor allele frequency in gnomAD v2.1.1 is 0.006% (1/15398 alleles) in the European (non-Finnish) population, which is lower than the ClinGen Hearing Loss VCEP threshold (<0.007%) for PM2_Supporting. The computational predictor REVEL gives a score of 0.941, evidence that correlates with impact to MYO7A function (PP3). These variants segregated in a similarly affected sibling (SCV000205114.4) (PM3, PP1, PP4). In summary, this variant meets the criteria to be classified as Likely Pathogenic for autosomal recessive Usher syndrome based on the ACMG/AMP criteria applied, as specified by the ClinGen Hearing Loss Variant Curation Expert Panel: (PM3, PM2_Supporting, PP1, PP3, PP4). (VCEP specifications version 2.0.0; December 21, 2022)

Women's Health and Genetics/Laboratory Corporation of America, LabCorp
Classification: Uncertain significance. Last evaluated: 2025-10-07. Review status: criteria provided, single submitter. Criteria: LabCorp Variant Classification Summary - May 2015. Collection method: clinical testing. Allele origin: germline. Not counted in ClinVar's aggregate classification.
Comment: Variant summary: MYO7A c.1208A>G (p.Tyr403Cys) results in a non-conservative amino acid change in the encoded protein sequence. Algorithms developed to predict the effect of missense changes on protein structure and function all suggest that this variant is likely to be disruptive. The variant was absent in 230346 control chromosomes. The available data on variant occurrences in the general population are insufficient to allow any conclusion about variant significance. c.1208A>G has been observed in individual(s) affected with Usher Syndrome (internal data). These data do not allow any conclusion about variant significance. To our knowledge, no experimental evidence demonstrating an impact on protein function has been reported. ClinVar contains an entry for this variant (Variation ID: 178667). Based on the evidence outlined above, the variant was classified as uncertain significance.

Labcorp Genetics (formerly Invitae), Labcorp
Classification: Likely pathogenic. Last evaluated: 2024-03-11. Review status: criteria provided, single submitter. Criteria: Invitae Variant Classification Sherloc (09022015). Collection method: clinical testing. Allele origin: germline. Not counted in ClinVar's aggregate classification.
Comment: This sequence change replaces tyrosine, which is neutral and polar, with cysteine, which is neutral and slightly polar, at codon 403 of the MYO7A protein (p.Tyr403Cys). This variant is present in population databases (rs797044511, gnomAD 0.001%). This missense change has been observed in individual(s) with Usher syndrome (Invitae). ClinVar contains an entry for this variant (Variation ID: 178667). Advanced modeling of protein sequence and biophysical properties (such as structural, functional, and spatial information, amino acid conservation, physicochemical variation, residue mobility, and thermodynamic stability) performed at Invitae indicates that this missense variant is expected to disrupt MYO7A protein function with a positive predictive value of 95%. In summary, the currently available evidence indicates that the variant is pathogenic, but additional data are needed to prove that conclusively. Therefore, this variant has been classified as Likely Pathogenic.

Eurofins Ntd Llc (ga)
Classification: Uncertain significance. Last evaluated: 2017-01-09. Review status: criteria provided, single submitter. Criteria: EGL Classification Definitions 2015. Collection method: clinical testing. Allele origin: germline. Observed: 1 variant allele, 1 heterozygote. Not counted in ClinVar's aggregate classification.

Laboratory for Molecular Medicine, Mass General Brigham Personalized Medicine
Classification: Likely pathogenic for Rare genetic deafness. Last evaluated: 2013-06-12. Review status: criteria provided, single submitter. Criteria: LMM Criteria. Collection method: clinical testing. Allele origin: germline. Inheritance: Autosomal recessive inheritance. Observed: 3 variant alleles. Not counted in ClinVar's aggregate classification.
Comment: The Tyr403Cys in MYO7A has been identified in two siblings with clinical feature s of Usher syndrome by our laboratory. Both siblings carried a second MYO7A vari ant on the other MYO7A allele. In addition, computational analyses (biochemical amino acid properties, conservation, AlignGVGD, PolyPhen2, and SIFT) suggest tha t the Tyr403Cys variant may impact the protein. In summary, this variant is like ly to be pathogenic, though additional studies are required to fully establish i ts clinical significance.

Counsyl
Classification: Uncertain significance for Usher syndrome type 1; Autosomal recessive nonsyndromic hearing loss 2. Last evaluated: 2018-02-20. Review status: no assertion criteria provided. Collection method: clinical testing. Allele origin: unknown. Not counted in ClinVar's aggregate classification.